The following is an entry in ClinVar:

NM_001031713.4(MCUR1):c.802C>T (p.Arg268Ter)

Gene: MCUR1 (mitochondrial calcium uniporter regulator 1; minus strand). Cytogenetic location: 6p23.
Variant type: single nucleotide variant.
Coding change: c.802C>T on transcript NM_001031713.4 (MANE Select); coding-DNA position 802, C replaced by T.
Protein change: p.Arg268Ter; replaces arginine 268 with a stop codon.
Molecular consequence: nonsense.
Genome position (GRCh38, 1-based): chr6:13,798,886, G>A on the plus strand (C>T on the coding strand, the complement: MCUR1 is on the minus strand). VCF-style: chr6-13798886-G-A. GRCh37 (hg19) VCF-style: chr6-13799118-G-A.
Other names: short protein forms R268*.
Identifiers: ClinVar variation 4075385 (VCV004075385.2).

ClinVar aggregate classification (germline): Conflicting classifications of pathogenicity. Review status: criteria provided, conflicting classifications (1 of 4 stars). 2 submissions from 2 submitters: Pathogenic (1); Uncertain significance (1). Last evaluated 2025-08-12.

Conditions:
Wolff-Parkinson-White pattern. Also called: Auriculoventricular accessory pathway syndrome; False bundle branch block syndrome; Anomalous ventricular excitation syndrome; WPW SYNDROME. Identifiers: MedGen C0043202, MONDO:0008685, OMIM 194200, HP:0001716.
Skeletal myopathy. Also called: Skeletal muscle disease; Skeletal muscle disorder. Identifiers: Orphanet 98472, MedGen C1533847, MONDO:0020120, HP:0003756.
Highly elevated creatine kinase. Also called: Highly elevated creatine phosphokinase. Identifiers: MedGen C4022565, HP:0030234.
Pes cavus. Identifiers: MedGen C0728829, HP:0001761.
Muscular atrophy. Also called: Muscle atrophy; Skeletal muscle atrophy. Identifiers: MedGen C0541794, MONDO:0004323, HP:0003202.

gnomAD v4.1: 38 of 1,607,006 alleles (0.0024%); highest among the groups gnomAD compares: Middle Eastern, 0.083%; no homozygotes.

Submissions (2):

Charité Universitätsmedizin Berlin, Charite Universitaetsmedizin Berlin
Classification: Pathogenic for Skeletal myopathy; Pes cavus; Muscular atrophy; Highly elevated creatine kinase; Wolff-Parkinson-White pattern. Last evaluated: 2025-08-12. Review status: criteria provided, single submitter. Criteria: ACMG Guidelines, 2015. Collection method: research. Allele origin: germline. Inheritance: Autosomal recessive inheritance. Affected: yes. Observed: 1 homozygote.
Comment: [PVS1] The variant is a homozygous nonsense mutation, p.(R268*). [PS3] The mitochondrial calcium transport is impeded by the variant as shown by a fluorescent assay that simultaneously measures cytosolic and intramitochondrial calcium concentrations. [PS3] In living cells, the oxygen consumption rate (OCR, Seahorse) and the ATP production (measured by a luminescent assay) is reduced. [PM4] Allele frequency in gnomAD 0.00002365, never in homozygous form

Blueprint Genetics
Classification: Uncertain significance. Last evaluated: 2024-10-09. Review status: criteria provided, single submitter. Criteria: ACMG Guidelines, 2015. Collection method: clinical testing. Allele origin: germline.